The following is an entry in ClinVar:

NM_001349338.3(FOXP1):c.602G>A (p.Arg201His)

Gene: FOXP1 (forkhead box P1; minus strand). Cytogenetic location: 3p13.
Variant type: single nucleotide variant.
Coding change: c.602G>A on transcript NM_001349338.3 (MANE Select); coding-DNA position 602, G replaced by A.
Protein change: p.Arg201His; replaces arginine 201 with histidine.
Molecular consequence: missense variant. On other transcripts: non-coding transcript variant (2).
Genome position (GRCh38, 1-based): chr3:71,047,004, C>T on the plus strand (G>A on the coding strand, the complement: FOXP1 is on the minus strand). VCF-style: chr3-71047004-C-T. GRCh37 (hg19) VCF-style: chr3-71096155-C-T.
Other names: c.602G>A, p.Arg201His (NM_001244808.3, NM_001244810.2, NM_001244814.3 and 3 more transcripts); c.374G>A, p.Arg125His (NM_001244812.3); c.302G>A, p.Arg101His (NM_001244813.3, NM_001244815.2, NM_001349342.3 and 1 more transcripts); c.299G>A, p.Arg100His (NM_001349337.2, NM_001349343.3, NM_001349344.3); c.599G>A, p.Arg200His (NM_001349341.3); short protein forms R201H, R100H, R125H, R101H, R200H.
Identifiers: ClinVar variation 435249 (VCV000435249.12), dbSNP rs1450448594, ClinGen allele CA353563224.
Genomic context (GRCh38, chr3:71,047,004, plus strand): 5'-TGAGCAAGAGGTTGAAGGGGAAGGGCAGGCTGCCCGGGCTGAATTGTCAGAAGGCCTTGG[C>T]GCTGCAAAGACAGGAGGTGCTGCTGCTGTAACTGCTGCATCTGTAAAAGCTGCTGCTGAA-3'
Protein context (NP_001336267.1, residues 191-211): LQQQHLLSLQ[Arg201His]QGLLTIQPGQ

ClinVar aggregate classification (germline): Uncertain significance. Review status: criteria provided, multiple submitters, no conflicts (2 of 4 stars). 4 submissions from 4 submitters: Uncertain significance (4). Last evaluated 2024-10-29.

Conditions:
Inborn genetic diseases. Identifiers: MedGen C0950123, MeSH D030342.

Allele frequency attached by ClinVar (database versions not stated): gnomAD exomes 0.00001.

Submissions (4):

Labcorp Genetics (formerly Invitae), Labcorp
Classification: Uncertain significance. Last evaluated: 2024-10-29. Review status: criteria provided, single submitter. Criteria: Invitae Variant Classification Sherloc (09022015). Collection method: clinical testing. Allele origin: germline.
Comment: This sequence change replaces arginine, which is basic and polar, with histidine, which is basic and polar, at codon 201 of the FOXP1 protein (p.Arg201His). This variant is not present in population databases (gnomAD no frequency). This variant has not been reported in the literature in individuals affected with FOXP1-related conditions. ClinVar contains an entry for this variant (Variation ID: 435249). Invitae Evidence Modeling of protein sequence and biophysical properties (such as structural, functional, and spatial information, amino acid conservation, physicochemical variation, residue mobility, and thermodynamic stability) indicates that this missense variant is expected to disrupt FOXP1 protein function with a positive predictive value of 80%. In summary, the available evidence is currently insufficient to determine the role of this variant in disease. Therefore, it has been classified as a Variant of Uncertain Significance.

Ambry Genetics
Classification: Uncertain significance for Inborn genetic diseases. Last evaluated: 2022-02-01. Review status: criteria provided, single submitter. Criteria: Ambry Variant Classification Scheme 2023. Collection method: clinical testing. Allele origin: germline.

GeneDx
Classification: Uncertain significance. Last evaluated: 2019-04-15. Review status: criteria provided, single submitter. Criteria: GeneDx Variant Classification Process June 2021. Collection method: clinical testing. Allele origin: germline. Affected: yes.
Comment: Not observed in large population cohorts (Lek et al., 2016); In silico analysis, which includes protein predictors and evolutionary conservation, supports a deleterious effect; Has not been previously published as pathogenic or benign to our knowledge

Genetic Services Laboratory, University of Chicago
Classification: Uncertain significance. Last evaluated: 2015-10-29. Review status: criteria provided, single submitter. Criteria: ACMG Guidelines, 2015. Collection method: clinical testing. Allele origin: germline. Affected: no.